The following is an entry in ClinVar:

ClinVar aggregate classification (germline): Conflicting classifications of pathogenicity. Review status: criteria provided, conflicting classifications (1 of 4 stars). 2 submissions from 2 submitters: Uncertain significance (1); Likely benign (1). Last evaluated 2026-02-03.

Allele frequency attached by ClinVar (database versions not stated): ExAC 0.00010; TOPMed 0.00013; 1000 Genomes Project 30x 0.00016; 1000 Genomes Project 0.00020; ESP Exome Variant Server 0.00024.
gnomAD v4.1: 44 of 1,603,494 alleles (0.0027%); highest among the groups gnomAD compares: African/African-American, 0.025%; no homozygotes.

Submissions (2):

Labcorp Genetics (formerly Invitae), Labcorp
Classification: Uncertain significance. Last evaluated: 2026-02-03. Review status: criteria provided, single submitter. Criteria: Invitae Variant Classification Sherloc (09022015). Collection method: clinical testing. Allele origin: germline.
Comment: This sequence change falls in intron 19 of the MYO7A gene. It does not directly change the encoded amino acid sequence of the MYO7A protein. It affects a nucleotide within the consensus splice site. This variant is present in population databases (rs368265503, gnomAD 0.03%). This variant has not been reported in the literature in individuals affected with MYO7A-related conditions. ClinVar contains an entry for this variant (Variation ID: 2157015). Variants that disrupt the consensus splice site are a relatively common cause of aberrant splicing (PMID: 17576681, 9536098). Algorithms developed to predict the effect of sequence changes on RNA splicing suggest that this variant is not likely to affect RNA splicing. In summary, the available evidence is currently insufficient to determine the role of this variant in disease. Therefore, it has been classified as a Variant of Uncertain Significance.

Blueprint Genetics
Classification: Likely benign. Last evaluated: 2022-07-21. Review status: criteria provided, single submitter. Criteria: ACMG Guidelines, 2015. Collection method: clinical testing. Allele origin: germline.

Literature cited by the submitters: PubMed 17576681 (cited by Labcorp Genetics (formerly Invitae), Labcorp); PubMed 9536098 (cited by Labcorp Genetics (formerly Invitae), Labcorp).

NM_000260.4(MYO7A):c.2282+4C>T

Gene: MYO7A (myosin VIIA; plus strand). Cytogenetic location: 11q13.5.
Variant type: single nucleotide variant.
Coding change: c.2282+4C>T on transcript NM_000260.4 (MANE Select); 4 bases into the intron after coding-DNA position 2282, C replaced by T.
Molecular consequence: intron variant.
Genome position (GRCh38, 1-based): chr11:77,177,647, C>T. VCF-style: chr11-77177647-C-T. GRCh37 (hg19) VCF-style: chr11-76888693-C-T.
Other names: c.2249+4C>T (NM_001369365.1); c.2282+4C>T (NM_001127180.2).
Identifiers: ClinVar variation 2157015 (VCV002157015.4), dbSNP rs368265503, ClinGen allele CA6197778.